The following is an entry in ClinVar:

NM_207361.6(FREM2):c.1065G>C (p.Leu355Phe)

Gene: FREM2 (FRAS1 related extracellular matrix 2; plus strand). Cytogenetic location: 13q13.3.
Variant type: single nucleotide variant.
Coding change: c.1065G>C on transcript NM_207361.6 (MANE Select); coding-DNA position 1065, G replaced by C.
Protein change: p.Leu355Phe; replaces leucine 355 with phenylalanine.
Molecular consequence: missense variant.
Genome position (GRCh38, 1-based): chr13:38,688,409, G>C. VCF-style: chr13-38688409-G-C. GRCh37 (hg19) VCF-style: chr13-39262546-G-C.
Other names: short protein forms L355F.
Identifiers: ClinVar variation 3347145 (VCV003347145.1).
Genomic context (GRCh38, chr13:38,688,409, plus strand): 5'-GACGGCCCTGACCCCAGACATGCTGGCAGCCGAGGATGCTGAGTCTCCCTCTGACCTGTT[G>C]ATCTTCAACCTTACTTCTCCATTCCAGCCTGGCCAGGGCTACTTGGTGAGCACCGATGAT-3'
Protein context (NP_997244.4, residues 345-365): AEDAESPSDL[Leu355Phe]IFNLTSPFQP

ClinVar aggregate classification (germline): Uncertain significance (0 of 4 stars; one submission).

Conditions:
FREM2-related disorder. Also called: FREM2-related condition.

Submission:

PreventionGenetics, part of Exact Sciences
Classification: Uncertain significance for FREM2-related condition. Last evaluated: 2024-06-14. Review status: no assertion criteria provided. Collection method: clinical testing. Allele origin: germline.
Comment: The FREM2 c.1065G>C variant is predicted to result in the amino acid substitution p.Leu355Phe. To our knowledge, this variant has not been reported in the literature or in a large population database, indicating this variant is rare. At this time, the clinical significance of this variant is uncertain due to the absence of conclusive functional and genetic evidence.